The following is an entry in ClinVar:

NM_198271.5(LMOD3):c.1681T>C (p.Ter561Gln)

Gene: LMOD3 (leiomodin 3; minus strand). Cytogenetic location: 3p14.1.
Variant type: single nucleotide variant.
Coding change: c.1681T>C on transcript NM_198271.5 (MANE Select); coding-DNA position 1681, T replaced by C.
Protein change: p.Ter561Gln.
Molecular consequence: stop lost.
Genome position (GRCh38, 1-based): chr3:69,109,097, A>G on the plus strand (T>C on the coding strand, the complement: LMOD3 is on the minus strand). VCF-style: chr3-69109097-A-G. GRCh37 (hg19) VCF-style: chr3-69158248-A-G.
Other names: c.1681T>C, p.Ter561Gln (NM_001304418.3).
Identifiers: ClinVar variation 1371723 (VCV001371723.4), dbSNP rs749851437, ClinGen allele CA2488683.

ClinVar aggregate classification (germline): Uncertain significance (1 of 4 stars; one submission).

Conditions:
Nemaline myopathy 10 (NEM10). Identifiers: MedGen C4015360, MONDO:0014513, OMIM 616165.

Allele frequency attached by ClinVar (database versions not stated): gnomAD exomes below 0.00001 and 0.00001; TOPMed below 0.00001; gnomAD 0.00001; ExAC 0.00002.
gnomAD v4.1: 7 of 1,600,874 alleles (0.00044%); highest among the groups gnomAD compares: Non-Finnish European, 0.0006%; no homozygotes.

Submission:

Labcorp Genetics (formerly Invitae), Labcorp
Classification: Uncertain significance for Nemaline myopathy 10. Last evaluated: 2022-11-15. Review status: criteria provided, single submitter. Criteria: Invitae Variant Classification Sherloc (09022015). Collection method: clinical testing. Allele origin: germline.
Comment: In summary, the available evidence is currently insufficient to determine the role of this variant in disease. Therefore, it has been classified as a Variant of Uncertain Significance. Experimental studies and prediction algorithms are not available or were not evaluated, and the functional significance of this variant is currently unknown. ClinVar contains an entry for this variant (Variation ID: 1371723). This variant has not been reported in the literature in individuals affected with LMOD3-related conditions. The frequency data for this variant in the population databases is considered unreliable, as metrics indicate poor data quality at this position in the gnomAD database. This sequence change disrupts the translational stop signal of the LMOD3 mRNA. It is expected to extend the length of the LMOD3 protein by 58 additional amino acid residues.